The following is an entry in ClinVar:

NM_145046.5(CALR3):c.37A>G (p.Met13Val)

Gene: CALR3 (calreticulin 3; minus strand). Cytogenetic location: 19p13.11.
Variant type: single nucleotide variant.
Coding change: c.37A>G on transcript NM_145046.5 (MANE Select); coding-DNA position 37, A replaced by G.
Protein change: p.Met13Val; replaces methionine 13 with valine.
Molecular consequence: missense variant.
Genome position (GRCh38, 1-based): chr19:16,496,093, T>C on the plus strand (A>G on the coding strand, the complement: CALR3 is on the minus strand). VCF-style: chr19-16496093-T-C. GRCh37 (hg19) VCF-style: chr19-16606904-T-C.
Other names: short protein forms M13V.
Identifiers: ClinVar variation 964734 (VCV000964734.10), dbSNP rs2093408003, ClinGen allele CA404617686.

ClinVar aggregate classification (germline): Uncertain significance (1 of 4 stars; one submission).

Conditions:
Hypertrophic cardiomyopathy 19. Also called: Familial hypertrophic cardiomyopathy 19. Identifiers: MedGen CN077603, MONDO:0013476.

Submission:

Labcorp Genetics (formerly Invitae), Labcorp
Classification: Uncertain significance for Hypertrophic cardiomyopathy 19. Last evaluated: 2019-10-23. Review status: criteria provided, single submitter. Criteria: Invitae Variant Classification Sherloc (09022015). Collection method: clinical testing. Allele origin: germline.
Comment: This sequence change replaces methionine with valine at codon 13 of the CALR3 protein (p.Met13Val). The methionine residue is weakly conserved and there is a small physicochemical difference between methionine and valine. In summary, the available evidence is currently insufficient to determine the role of this variant in disease. Therefore, it has been classified as a Variant of Uncertain Significance. Algorithms developed to predict the effect of missense changes on protein structure and function output the following: SIFT: "Tolerated"; PolyPhen-2: "Benign"; Align-GVGD: "Class C0". The valine amino acid residue is found in multiple mammalian species, suggesting that this missense change does not adversely affect protein function. These predictions have not been confirmed by published functional studies and their clinical significance is uncertain. This variant has not been reported in the literature in individuals with CALR3-related conditions. This variant is not present in population databases (ExAC no frequency).